The following is an entry in ClinVar:

NM_000702.4(ATP1A2):c.2280G>C (p.Glu760Asp)

Gene: ATP1A2 (ATPase Na+/K+ transporting subunit alpha 2; plus strand). Cytogenetic location: 1q23.2.
Variant type: single nucleotide variant.
Coding change: c.2280G>C on transcript NM_000702.4 (MANE Select); coding-DNA position 2280, G replaced by C.
Protein change: p.Glu760Asp; replaces glutamic acid 760 with aspartic acid.
Molecular consequence: missense variant.
Genome position (GRCh38, 1-based): chr1:160,135,598, G>C. VCF-style: chr1-160135598-G-C. GRCh37 (hg19) VCF-style: chr1-160105388-G-C.
Other names: short protein forms E760D.
Identifiers: ClinVar variation 5016500 (VCV005016500.1).

ClinVar aggregate classification (germline): Likely pathogenic (1 of 4 stars; one submission).

Conditions:
Developmental and epileptic encephalopathy 98. Identifiers: MedGen C5562017, MONDO:0030472, OMIM 619605.

Submission:

Laboratorio de Genética, Hospital Universitario Reina Sofía
Classification: Likely pathogenic for Developmental and epileptic encephalopathy 98. Last evaluated: 2025-04-02. Review status: criteria provided, single submitter. Criteria: ACMG Guidelines, 2015. Collection method: clinical testing. Allele origin: de novo, germline. Inheritance: Autosomal dominant inheritance. Affected: yes and no.
Comment: This variant is classified as Likely Pathogenic as it meets the following ACMG/AMP criteria: PS2, as the variant was identified in the proband in heterozygosity and segregation testing in both parents showed that neither parent carries the variant, supporting a confirmed de novo event (with the standard caveat that low-level parental germline mosaicism cannot be fully excluded); PM2 (Moderate), as the variant is absent or extremely rare in large population databases (e.g., gnomAD), consistent with a variant not expected at an appreciable frequency in the general population; PP3 (Moderate), as multiple computational tools support a deleterious effect on the gene/gene product (in silico evidence); and PP2 (Supporting), as this is a missense variant in a gene in which missense variation is a common mechanism of disease and benign missense variation is relatively constrained.